The following is an entry in ClinVar:

ClinVar aggregate classification (germline): Uncertain significance (1 of 4 stars; one submission).

Conditions:
Developmental and epileptic encephalopathy, 23 (DEE23). Also called: Epileptic encephalopathy, early infantile, 23. Identifiers: Orphanet 411986, MedGen C4014492, MONDO:0014371, OMIM 615859.

Allele frequency attached by ClinVar (database versions not stated): ExAC 0.00001; gnomAD exomes 0.00002.

Submission:

Labcorp Genetics (formerly Invitae), Labcorp
Classification: Uncertain significance for Developmental and epileptic encephalopathy, 23. Last evaluated: 2021-08-31. Review status: criteria provided, single submitter. Criteria: Invitae Variant Classification Sherloc (09022015). Collection method: clinical testing. Allele origin: germline.
Comment: This sequence change replaces proline with serine at codon 520 of the DOCK7 protein (p.Pro520Ser). The proline residue is moderately conserved and there is a moderate physicochemical difference between proline and serine. This variant is present in population databases (rs770965555, ExAC 0.009%). This variant has not been reported in the literature in individuals affected with DOCK7-related conditions. Algorithms developed to predict the effect of missense changes on protein structure and function (SIFT, PolyPhen-2, Align-GVGD) all suggest that this variant is likely to be tolerated. In summary, the available evidence is currently insufficient to determine the role of this variant in disease. Therefore, it has been classified as a Variant of Uncertain Significance.

NM_001367561.1(DOCK7):c.1558C>T (p.Pro520Ser)

Gene: DOCK7 (dedicator of cytokinesis 7; minus strand). Cytogenetic location: 1p31.3.
Variant type: single nucleotide variant.
Coding change: c.1558C>T on transcript NM_001367561.1 (MANE Select); coding-DNA position 1558, C replaced by T.
Protein change: p.Pro520Ser; replaces proline 520 with serine.
Molecular consequence: missense variant.
Genome position (GRCh38, 1-based): chr1:62,618,830, G>A on the plus strand (C>T on the coding strand, the complement: DOCK7 is on the minus strand). VCF-style: chr1-62618830-G-A. GRCh37 (hg19) VCF-style: chr1-63084501-G-A.
Other names: c.1558C>T, p.Pro520Ser (NM_001271999.2, NM_001272000.2, NM_001272001.2 and 3 more transcripts); short protein forms P520S.
Identifiers: ClinVar variation 861288 (VCV000861288.7), dbSNP rs770965555, ClinGen allele CA886914.